The following is an entry in ClinVar:

ClinVar aggregate classification (germline): Uncertain significance (1 of 4 stars; one submission).

Conditions:
Baller-Gerold syndrome (BGS). Also called: CRANIOSYNOSTOSIS WITH RADIAL DEFECTS. Identifiers: Orphanet 1225, MedGen C0265308, MONDO:0009039, OMIM 218600.

Submission:

Labcorp Genetics (formerly Invitae), Labcorp
Classification: Uncertain significance for Baller-Gerold syndrome. Last evaluated: 2023-11-02. Review status: criteria provided, single submitter. Criteria: Invitae Variant Classification Sherloc (09022015). Collection method: clinical testing. Allele origin: germline.
Comment: This sequence change replaces glycine, which is neutral and non-polar, with arginine, which is basic and polar, at codon 1023 of the RECQL4 protein (p.Gly1023Arg). This variant is not present in population databases (gnomAD no frequency). This variant has not been reported in the literature in individuals affected with RECQL4-related conditions. ClinVar contains an entry for this variant (Variation ID: 665892). Advanced modeling of protein sequence and biophysical properties (such as structural, functional, and spatial information, amino acid conservation, physicochemical variation, residue mobility, and thermodynamic stability) performed at Invitae indicates that this missense variant is not expected to disrupt RECQL4 protein function with a negative predictive value of 80%. In summary, the available evidence is currently insufficient to determine the role of this variant in disease. Therefore, it has been classified as a Variant of Uncertain Significance.

NM_004260.4(RECQL4):c.3067G>A (p.Gly1023Arg)

Gene: RECQL4 (RecQ like helicase 4; minus strand). Cytogenetic location: 8q24.3.
Variant type: single nucleotide variant.
Coding change: c.3067G>A on transcript NM_004260.4 (MANE Select); coding-DNA position 3067, G replaced by A.
Protein change: p.Gly1023Arg; replaces glycine 1023 with arginine.
Molecular consequence: missense variant.
Genome position (GRCh38, 1-based): chr8:144,512,313, C>T on the plus strand (G>A on the coding strand, the complement: RECQL4 is on the minus strand). VCF-style: chr8-144512313-C-T. GRCh37 (hg19) VCF-style: chr8-145737696-C-T.
Other names: short protein forms G1023R.
Identifiers: ClinVar variation 665892 (VCV000665892.6), dbSNP rs1586793995, ClinGen allele CA372670894.
Genomic context (GRCh38, chr8:144,512,313, plus strand): 5'-AGTCCCCCGGGCTGCGAAGGTGGAAGGCCAGCTCACTGAACTCCACAAGCACCCCTGTCC[C>T]ACGCCGCACACCTGCCGGAAAGCATGTCAGATGCAGGCAGGCAGCGTCCAGGGCGGTGTG-3'
Protein context (NP_004251.4, residues 1013-1033): DHEPRTGVRR[Gly1023Arg]TGVLVEFSEL